The following is an entry in ClinVar:

ClinVar aggregate classification (germline): Likely benign (1 of 4 stars; one submission).

Allele frequency attached by ClinVar (database versions not stated): ExAC 0.00162.

Submission:

CeGaT Center for Human Genetics Tuebingen
Classification: Likely benign. Last evaluated: 2023-03-01. Review status: criteria provided, single submitter. Criteria: CeGaT Center For Human Genetics Tuebingen Variant Classification Criteria Version 2. Collection method: clinical testing. Allele origin: germline. Affected: yes. Observed: 1 variant allele.
Comment: KIFC2: BP4, BP7

NM_001369769.2(KIFC2):c.2082G>A (p.Ala694=)

Gene: KIFC2 (kinesin family member C2; plus strand). Cytogenetic location: 8q24.3.
Variant type: single nucleotide variant.
Coding change: c.2082G>A on transcript NM_001369769.2 (MANE Select); coding-DNA position 2082, G replaced by A.
Protein change: p.Ala694=; no amino-acid change (alanine 694 retained).
Molecular consequence: synonymous variant.
Genome position (GRCh38, 1-based): chr8:144,473,015, G>A. VCF-style: chr8-144473015-G-A. GRCh37 (hg19) VCF-style: chr8-145698398-G-A.
Other names: c.2082G>A, p.Ala694= (NM_145754.5).
Identifiers: ClinVar variation 2658990 (VCV002658990.24), dbSNP rs756184219, ClinGen allele CA4945248.
Genomic context (GRCh38, chr8:144,473,015, plus strand): 5'-GGCCCACCGGCCGCACGTGCCCTTCCGCGACTCGCAGCTCACGCGACTGCTGCAGCCGGC[G>A]CTGGGCCCAGGCACCACCGCGGTGCTGCTGCTGCAGGTGGGCGCCGGGGCGGGGCAGGTG-3'
Protein context (NP_001356698.1, residues 684-704): DSQLTRLLQP[Ala694=]LGPGTTAVLL